The following is an entry in ClinVar:

NM_198578.4(LRRK2):c.2242G>A (p.Val748Ile)

Gene: LRRK2 (leucine rich repeat kinase 2; plus strand). Cytogenetic location: 12q12.
Variant type: single nucleotide variant.
Coding change: c.2242G>A on transcript NM_198578.4 (MANE Select); coding-DNA position 2242, G replaced by A.
Protein change: p.Val748Ile; replaces valine 748 with isoleucine.
Molecular consequence: missense variant.
Genome position (GRCh38, 1-based): chr12:40,283,875, G>A. VCF-style: chr12-40283875-G-A. GRCh37 (hg19) VCF-style: chr12-40677677-G-A.
Other names: short protein forms V748I.
Identifiers: ClinVar variation 1788298 (VCV001788298.3), dbSNP rs1174899964, ClinGen allele CA384406295.

ClinVar aggregate classification (germline): Uncertain significance. Review status: criteria provided, multiple submitters, no conflicts (2 of 4 stars). 2 submissions from 2 submitters: Uncertain significance (2). Last evaluated 2021-07-10.

Conditions:
Inborn genetic diseases. Identifiers: MedGen C0950123, MeSH D030342.
Autosomal dominant Parkinson disease 8. Also called: LRRK2-Related Parkinson Disease; Parkinson disease 8; Parkinson disease 8, susceptibility to. Identifiers: Orphanet 411602, MedGen C1846862, MONDO:0011764, OMIM 607060.

gnomAD v4.1: 2 of 1,610,906 alleles (0.00012%); highest among the groups gnomAD compares: South Asian, 0.0022%; no homozygotes.

Submissions (2):

Ambry Genetics
Classification: Uncertain significance for Inborn genetic diseases. Last evaluated: 2021-07-10. Review status: criteria provided, single submitter. Criteria: Ambry Variant Classification Scheme 2023. Collection method: clinical testing. Allele origin: germline.
Comment: The p.V748I variant (also known as c.2242G>A) is located in coding exon 19 of the LRRK2 gene. The valine at codon 748 is replaced by isoleucine, an amino acid with highly similar properties. This change occurs in the first base pair of coding exon 19. This amino acid position is conserved. In addition, this alteration is predicted to be tolerated by in silico analysis. Since supporting evidence is limited at this time, the clinical significance of this alteration remains unclear.

Neuberg Centre For Genomic Medicine, NCGM
Classification: Uncertain significance for Autosomal dominant Parkinson disease 8. Review status: criteria provided, single submitter. Criteria: ACMG Guidelines, 2015. Collection method: clinical testing. Allele origin: germline. Inheritance: Autosomal dominant inheritance. Affected: yes.
Comment: The observed missense c.2242G>A (p.Val748Ile) variant in LRRK2 gene has not been reported previously as a pathogenic variant nor as a benign variant, to our knowledge. This variant is reported with the allele frequency of 0.0004% in the gnomAD Exomes. This variant has been submitted to the ClinVar database as Uncertain Significance. The amino acid change p.Val748Ile in LRRK2 is predicted as conserved by GERP++ and PhyloP across 100 vertebrates. The amino acid Val at position 748 is changed to a Ile changing protein sequence and it might alter its composition and physico-chemical properties. For these reasons, this variant has been classified as Variant of Uncertain Significance (VUS).